The following is an entry in ClinVar:

ClinVar aggregate classification (germline): Pathogenic (1 of 4 stars; one submission).
ClinVar aggregate classification (oncogenicity): Likely oncogenic (1 of 4 stars; one submission).

Conditions:
Hereditary cancer-predisposing syndrome. Also called: Hereditary Cancer Syndrome; Tumor predisposition; Hereditary neoplastic syndrome; Neoplastic Syndromes, Hereditary. Identifiers: Orphanet 140162, MedGen C0027672, MeSH D009386, MONDO:0015356.
Neoplasm. Also called: tumor; Neoplasms; Neoplasm (disease). Identifiers: MedGen C0027651, MeSH D009369, MONDO:0005070, HP:0002664.

Submissions (2):

Ambry Genetics
Classification: Pathogenic for Hereditary cancer-predisposing syndrome. Last evaluated: 2025-12-10. Review status: criteria provided, single submitter. Criteria: Ambry Variant Classification Scheme 2023. Collection method: clinical testing. Allele origin: germline.
Comment: The c.3466delG pathogenic mutation, located in coding exon 9 of the BRCA1 gene, results from a deletion of one nucleotide at nucleotide position 3466, causing a translational frameshift with a predicted alternate stop codon (p.D1156Mfs*4). This variant is considered to be rare based on population cohorts in the Genome Aggregation Database (gnomAD). This alteration is expected to result in loss of function by premature protein truncation or nonsense-mediated mRNA decay. As such, this alteration is interpreted as a disease-causing mutation.

Center for Genomic Medicine, Rigshospitalet, Copenhagen University Hospital
Classification: Likely oncogenic for Neoplasm. Last evaluated: 2025-03-04. Review status: criteria provided, single submitter. Criteria: ClinGen/CGC/VICC Guidelines for Oncogenicity, 2022. Collection method: clinical testing. Allele origin: somatic. Affected: yes.

Literature cited by the submitters: PubMed 15689452 (cited by Center for Genomic Medicine, Rigshospitalet, Copenhagen University Hospital); PubMed 17308087 (cited by Center for Genomic Medicine, Rigshospitalet, Copenhagen University Hospital); PubMed 27454287 (cited by Center for Genomic Medicine, Rigshospitalet, Copenhagen University Hospital).

NM_007294.4(BRCA1):c.3466del (p.Asp1156fs)

Genes: BRCA1 (BRCA1 DNA repair associated; minus strand), LOC126862571 (BRD4-independent group 4 enhancer GRCh37_chr17:41243136-41244335; plus strand). Cytogenetic location: 17q21.31.
Variant type: Deletion.
Coding change: c.3466del on transcript NM_007294.4 (MANE Select); coding-DNA position 3466, one base deleted (G; older notation c.3466delG).
Protein change: p.Asp1156fs; shifts the reading frame from aspartic acid 1156.
Molecular consequence: frameshift variant. On other transcripts: intron variant (135).
Genome position (GRCh38, 1-based): chr17:43,092,065, C deleted on the plus strand (G on the coding strand, the reverse complement: BRCA1 is on the minus strand). VCF-style (leftmost placement, unchanged base first): chr17-43092064-TC-T. GRCh37 (hg19) VCF-style: chr17-41244081-TC-T.
Other names: c.3133del, p.Asp1045fs (NM_001407950.1, NM_001407951.1, NM_001407952.1 and 6 more transcripts); c.3130del, p.Asp1044fs (NM_001407958.1, NM_001407954.1, NM_001407955.1 and 1 more transcripts); c.578-1033del (NM_001408485.1, NM_001408483.1, NM_001408481.1 and 9 more transcripts); c.662-1033del (NM_001408447.1, NM_001408433.1, NM_001408446.1 and 6 more transcripts); c.785-1033del (NM_001408400.1, NM_001408392.1, NM_001407986.1 and 13 more transcripts); c.665-1033del (NM_001408441.1, NM_001408437.1, NM_001408429.1 and 12 more transcripts); c.788-1033del (NM_001407979.1, NM_001407977.1, NM_001407982.1 and 17 more transcripts); c.647-1033del (NM_001408410.1, NM_001408458.1, NM_001408469.1 and 11 more transcripts); and 42 more; short protein forms D1028fs, D1029fs, D1068fs, D1109fs, D1156fs, D288fs, D860fs, D1045fs.
Identifiers: ClinVar variation 3257800 (VCV003257800.3).